The following is an entry in ClinVar:

ClinVar aggregate classification (germline): Uncertain significance. Review status: criteria provided, multiple submitters, no conflicts (2 of 4 stars). 4 submissions from 4 submitters: Uncertain significance (4). Last evaluated 2025-07-31.

Conditions:
Hereditary cancer-predisposing syndrome. Also called: Tumor predisposition; Neoplastic Syndromes, Hereditary; Hereditary Cancer Syndrome; Hereditary neoplastic syndrome. Identifiers: Orphanet 140162, MedGen C0027672, MeSH D009386, MONDO:0015356.
Familial cancer of breast. Also called: Hereditary breast cancer; BREAST CANCER, FAMILIAL; hereditary breast carcinoma. Identifiers: Orphanet 227535, MedGen C0346153, MONDO:0016419, OMIM 114480. Disease mechanism: loss of function.

Submissions (4):

Ambry Genetics
Classification: Uncertain significance for Hereditary cancer-predisposing syndrome. Last evaluated: 2025-07-31. Review status: criteria provided, single submitter. Criteria: Ambry Variant Classification Scheme 2023. Collection method: clinical testing. Allele origin: germline.
Comment: The p.Q1146K variant (also known as c.3436C>A), located in coding exon 13 of the PALB2 gene, results from a C to A substitution at nucleotide position 3436. The glutamine at codon 1146 is replaced by lysine, an amino acid with similar properties. This amino acid position is not well conserved in available vertebrate species. In addition, this alteration is predicted to be tolerated by in silico analysis. Since supporting evidence is limited at this time, the clinical significance of this alteration remains unclear.

Labcorp Genetics (formerly Invitae), Labcorp
Classification: Uncertain significance for Familial cancer of breast. Last evaluated: 2024-04-16. Review status: criteria provided, single submitter. Criteria: Invitae Variant Classification Sherloc (09022015). Collection method: clinical testing. Allele origin: germline.
Comment: This sequence change replaces glutamine, which is neutral and polar, with lysine, which is basic and polar, at codon 1146 of the PALB2 protein (p.Gln1146Lys). This variant is not present in population databases (gnomAD no frequency). This variant has not been reported in the literature in individuals affected with PALB2-related conditions. ClinVar contains an entry for this variant (Variation ID: 245984). An algorithm developed to predict the effect of missense changes on protein structure and function (PolyPhen-2) suggests that this variant is likely to be tolerated. In summary, the available evidence is currently insufficient to determine the role of this variant in disease. Therefore, it has been classified as a Variant of Uncertain Significance.

GeneDx
Classification: Uncertain significance. Last evaluated: 2023-01-05. Review status: criteria provided, single submitter. Criteria: GeneDx Variant Classification Process June 2021. Collection method: clinical testing. Allele origin: germline. Affected: yes.
Comment: Not observed at significant frequency in large population cohorts (gnomAD); In silico analysis supports that this missense variant does not alter protein structure/function; This variant is associated with the following publications: (PMID: 19609323, 24485656, 20871615, 32957588, 35901820)

Women's Health and Genetics/Laboratory Corporation of America, LabCorp
Classification: Uncertain significance. Last evaluated: 2018-10-26. Review status: criteria provided, single submitter. Criteria: LabCorp Variant Classification Summary - May 2015. Collection method: clinical testing. Allele origin: germline.
Comment: Variant summary: PALB2 c.3436C>A (p.Gln1146Lys) results in a conservative amino acid change in the WD40 domain (IPR031920); this domain is involved binding to the N terminus of BRCA2 (InterPro). Five of five in-silico tools predict a benign effect of the variant on protein function. The variant was absent in 246248 control chromosomes (gnomAD). The available data on variant occurrences in the general population are insufficient to allow any conclusion about variant significance. To our knowledge, no occurrence of c.3436C>A in individuals affected with Hereditary Breast and Ovarian Cancer and no experimental evidence demonstrating its impact on protein function have been reported. Two clinical diagnostic laboratories have submitted clinical-significance assessments for this variant to ClinVar after 2014 without evidence for independent evaluation, and both classified the variant as uncertain significance. Based on the evidence outlined above, the variant was classified as uncertain significance.

NM_024675.4(PALB2):c.3436C>A (p.Gln1146Lys)

Gene: PALB2 (partner and localizer of BRCA2; minus strand). Cytogenetic location: 16p12.2.
Variant type: single nucleotide variant.
Coding change: c.3436C>A on transcript NM_024675.4 (MANE Select); coding-DNA position 3436, C replaced by A.
Protein change: p.Gln1146Lys; replaces glutamine 1146 with lysine.
Molecular consequence: missense variant.
Genome position (GRCh38, 1-based): chr16:23,603,584, G>T on the plus strand (C>A on the coding strand, the complement: PALB2 is on the minus strand). VCF-style: chr16-23603584-G-T. GRCh37 (hg19) VCF-style: chr16-23614905-G-T.
Other names: short protein forms Q1146K.
Identifiers: ClinVar variation 245984 (VCV000245984.19), dbSNP rs879254033, ClinGen allele CA10584502.